The following is an entry in ClinVar:

ClinVar aggregate classification (germline): Uncertain significance (1 of 4 stars; one submission).

Conditions:
Inborn genetic diseases. Identifiers: MedGen C0950123, MeSH D030342.

Submission:

Ambry Genetics
Classification: Uncertain significance for Inborn genetic diseases. Last evaluated: 2024-12-31. Review status: criteria provided, single submitter. Criteria: Ambry Variant Classification Scheme 2023. Collection method: clinical testing. Allele origin: germline.
Comment: The p.E349G variant (also known as c.1046A>G), located in coding exon 3 of the MBD4 gene, results from an A to G substitution at nucleotide position 1046. The glutamic acid at codon 349 is replaced by glycine, an amino acid with similar properties. This amino acid position is conserved. In addition, this alteration is predicted to be tolerated by in silico analysis. Based on the available evidence, the clinical significance of this variant remains unclear.

NM_001276270.2(MBD4):c.1046A>G (p.Glu349Gly)

Gene: MBD4 (methyl-CpG binding domain 4, DNA glycosylase; minus strand). Cytogenetic location: 3q21.3.
Variant type: single nucleotide variant.
Coding change: c.1046A>G on transcript NM_001276270.2 (MANE Select); coding-DNA position 1046, A replaced by G.
Protein change: p.Glu349Gly; replaces glutamic acid 349 with glycine.
Molecular consequence: missense variant. On other transcripts: intron variant (1).
Genome position (GRCh38, 1-based): chr3:129,436,598, T>C on the plus strand (A>G on the coding strand, the complement: MBD4 is on the minus strand). VCF-style: chr3-129436598-T-C. GRCh37 (hg19) VCF-style: chr3-129155441-T-C.
Other names: c.1046A>G, p.Glu349Gly (NM_001276271.2, NM_001276272.2, NM_003925.3); c.247+1210A>G (NM_001276273.2); short protein forms E349G.
Identifiers: ClinVar variation 3870881 (VCV003870881.1).